The following is an entry in ClinVar:

ClinVar aggregate classification (germline): Uncertain significance (1 of 4 stars; one submission).

Submission:

Clinical Genomics Laboratory, Laboratory for Precision Diagnostics, University of Washington
Classification: Uncertain significance. Last evaluated: 2018-11-09. Review status: criteria provided, single submitter. Criteria: Clinical Cytogenomics Laboratory Policy on CNV Interpretation. Collection method: clinical testing. Allele origin: unknown. Affected: yes. Observed: 1 variant allele.

GRCh37/hg19 3p26.1(chr3:4812298-5515770)x3

Genes: ARL8B (ARF like GTPase 8B; plus strand), BHLHE40 (basic helix-loop-helix family member e40; plus strand), EDEM1 (ER degradation enhancing alpha-mannosidase like protein 1; plus strand), ITPR1 (inositol 1,4,5-trisphosphate receptor type 1; plus strand). Cytogenetic location: 3p26.1.
Variant type: copy number gain.
Change: copy number 3 (three copies instead of two) of chr3:4,812,298-5,515,770 (703.5 kb, GRCh37 coordinates, 1-based), cytogenetic band 3p26.1.
Identifiers: ClinVar variation 638144 (VCV000638144.2).